The following is an entry in ClinVar:

NM_001613.4(ACTA2):c.563C>T (p.Thr188Ile)

Gene: ACTA2 (actin alpha 2, smooth muscle; minus strand). Cytogenetic location: 10q23.31.
Variant type: single nucleotide variant.
Coding change: c.563C>T on transcript NM_001613.4 (MANE Select); coding-DNA position 563, C replaced by T.
Protein change: p.Thr188Ile; replaces threonine 188 with isoleucine.
Molecular consequence: missense variant.
Genome position (GRCh38, 1-based): chr10:88,941,282, G>A on the plus strand (C>T on the coding strand, the complement: ACTA2 is on the minus strand). VCF-style: chr10-88941282-G-A. GRCh37 (hg19) VCF-style: chr10-90701039-G-A.
Other names: c.563C>T, p.Thr188Ile (NM_001141945.3, NM_001320855.2, NM_001406462.1 and 3 more transcripts); c.452C>T, p.Thr151Ile (NM_001406466.1); c.434C>T, p.Thr145Ile (NM_001406467.1, NM_001406468.1, NM_001406469.1); short protein forms T145I, T151I, T188I.
Identifiers: ClinVar variation 1988978 (VCV001988978.6), dbSNP rs1564644436, ClinGen allele CA377512060.

ClinVar aggregate classification (germline): Uncertain significance. Review status: criteria provided, multiple submitters, no conflicts (2 of 4 stars). 3 submissions from 3 submitters: Uncertain significance (3). Last evaluated 2025-05-22.

Conditions:
Familial thoracic aortic aneurysm and aortic dissection (TAAD). Also called: Thoracic aortic aneurysms and dissections. Identifiers: Orphanet 91387, MedGen C4707243, MONDO:0019625.
Aortic aneurysm, familial thoracic 6 (AAT6). Also called: FAMILIAL THORACIC AORTIC ANEURYSM WITH LIVEDO RETICULARIS AND IRIS FLOCCULI. Identifiers: MedGen C2673186, MONDO:0012730, OMIM 611788.

Allele frequency attached by ClinVar (database versions not stated): gnomAD exomes below 0.00001.
gnomAD v4.1: 1 of 1,614,044 alleles (0.000062%); highest among the groups gnomAD compares: Non-Finnish European, 0.000085%; no homozygotes.

Submissions (3):

Labcorp Genetics (formerly Invitae), Labcorp
Classification: Uncertain significance for Aortic aneurysm, familial thoracic 6. Last evaluated: 2025-05-22. Review status: criteria provided, single submitter. Criteria: Invitae Variant Classification Sherloc (09022015). Collection method: clinical testing. Allele origin: germline.
Comment: This sequence change replaces threonine, which is neutral and polar, with isoleucine, which is neutral and non-polar, at codon 188 of the ACTA2 protein (p.Thr188Ile). This variant is not present in population databases (gnomAD no frequency). This variant has not been reported in the literature in individuals affected with ACTA2-related conditions. ClinVar contains an entry for this variant (Variation ID: 1988978). Invitae Evidence Modeling of protein sequence and biophysical properties (such as structural, functional, and spatial information, amino acid conservation, physicochemical variation, residue mobility, and thermodynamic stability) indicates that this missense variant is expected to disrupt ACTA2 protein function with a positive predictive value of 80%. In summary, the available evidence is currently insufficient to determine the role of this variant in disease. Therefore, it has been classified as a Variant of Uncertain Significance.

Women's Health and Genetics/Laboratory Corporation of America, LabCorp
Classification: Uncertain significance. Last evaluated: 2024-03-30. Review status: criteria provided, single submitter. Criteria: LabCorp Variant Classification Summary - May 2015. Collection method: clinical testing. Allele origin: germline.

Ambry Genetics
Classification: Uncertain significance for Familial thoracic aortic aneurysm and aortic dissection. Last evaluated: 2024-02-05. Review status: criteria provided, single submitter. Criteria: Ambry Variant Classification Scheme 2023. Collection method: clinical testing. Allele origin: germline.
Comment: The p.T188I variant (also known as c.563C>T), located in coding exon 5 of the ACTA2 gene, results from a C to T substitution at nucleotide position 563. The threonine at codon 188 is replaced by isoleucine, an amino acid with similar properties. This amino acid position is conserved. In addition, this alteration is predicted to be deleterious by in silico analysis. Based on the available evidence, the clinical significance of this alteration remains unclear.